The following is an entry in ClinVar:

ClinVar aggregate classification (germline): Uncertain significance (1 of 4 stars; one submission).

Conditions:
Paget disease of bone 2, early-onset (PDB2). Also called: Paget disease of bone 2. Identifiers: MedGen C4085251, MONDO:0011183, OMIM 602080.
Frontotemporal dementia and/or amyotrophic lateral sclerosis 1 (FTDALS1). Also called: Frontotemporal dementia with motor neuron disease 1; C9orf72 Frontotemporal Dementia and/or Amyotrophic Lateral Sclerosis. Identifiers: Orphanet 275872, MedGen C5779877, MONDO:0007105, OMIM 105550.

gnomAD v4.1: 5 of 1,614,214 alleles (0.00031%); highest among the groups gnomAD compares: Non-Finnish European, 0.00034%; no homozygotes.

Submission:

Labcorp Genetics (formerly Invitae), Labcorp
Classification: Uncertain significance for Paget disease of bone 2, early-onset; Frontotemporal dementia and/or amyotrophic lateral sclerosis 1. Last evaluated: 2021-09-02. Review status: criteria provided, single submitter. Criteria: Invitae Variant Classification Sherloc (09022015). Collection method: clinical testing. Allele origin: germline.
Comment: This sequence change replaces serine with threonine at codon 283 of the SQSTM1 protein (p.Ser283Thr). The serine residue is moderately conserved and there is a small physicochemical difference between serine and threonine. This variant is not present in population databases (ExAC no frequency). This variant has not been reported in the literature in individuals affected with SQSTM1-related conditions. Algorithms developed to predict the effect of missense changes on protein structure and function (SIFT, PolyPhen-2, Align-GVGD) all suggest that this variant is likely to be tolerated. In summary, the available evidence is currently insufficient to determine the role of this variant in disease. Therefore, it has been classified as a Variant of Uncertain Significance.

NM_003900.5(SQSTM1):c.848G>C (p.Ser283Thr)

Gene: SQSTM1 (sequestosome 1; plus strand). Cytogenetic location: 5q35.3.
Variant type: single nucleotide variant.
Coding change: c.848G>C on transcript NM_003900.5 (MANE Select); coding-DNA position 848, G replaced by C.
Protein change: p.Ser283Thr; replaces serine 283 with threonine.
Molecular consequence: missense variant.
Genome position (GRCh38, 1-based): chr5:179,833,125, G>C. VCF-style: chr5-179833125-G-C. GRCh37 (hg19) VCF-style: chr5-179260125-G-C.
Other names: c.596G>C, p.Ser199Thr (NM_001142298.2, NM_001142299.2); short protein forms S283T, S199T.
Identifiers: ClinVar variation 1379217 (VCV001379217.6), dbSNP rs760785371, ClinGen allele CA362451365.